The following is an entry in ClinVar:

NM_000317.3(PTS):c.200C>T (p.Thr67Met)

Gene: PTS (6-pyruvoyltetrahydropterin synthase; plus strand). Cytogenetic location: 11q23.1.
Variant type: single nucleotide variant.
Coding change: c.200C>T on transcript NM_000317.3 (MANE Select); coding-DNA position 200, C replaced by T.
Protein change: p.Thr67Met; replaces threonine 67 with methionine.
Molecular consequence: missense variant.
Genome position (GRCh38, 1-based): chr11:112,230,639, C>T. VCF-style: chr11-112230639-C-T. GRCh37 (hg19) VCF-style: chr11-112101362-C-T.
Other names: p.Thr67Met; short protein forms T67M.
Identifiers: ClinVar variation 463151 (VCV000463151.31), dbSNP rs370340361, ClinGen allele CA6278526.
Genomic context (GRCh38, chr11:112,230,639, plus strand): 5'-ATATGGAGAGCCTATCACAGTAATATTCACCTTTGTTTATTCTTTAGATTGACCCTGCTA[C>T]GGGAATGGTTATGAATCTGGCTGATCTCAAAAAATATATGGAGGTAATGGCATGTTGGGT-3'
Protein context (NP_000308.1, residues 57-77): VTVHGEIDPA[Thr67Met]GMVMNLADLK

ClinVar aggregate classification (germline): Pathogenic. Review status: criteria provided, multiple submitters, no conflicts (2 of 4 stars). 13 submissions from 13 submitters: Pathogenic (11). 2 of the submissions do not count toward it. Last evaluated 2025-12-18.

Conditions:
6-Pyruvoyl-tetrahydrobiopterin synthase deficiency. Also called: 6-Pyruvoyltetrahydropterin Synthase Deficiency; PTS DEFICIENCY; BH4-deficient hyperphenylalaninemia A; HYPERPHENYLALANINEMIA, TETRAHYDROBIOPTERIN-DEFICIENT, DUE TO PTS DEFICIENCY; PTS-Related Tetrahydrobiopterin Deficiency; Hyperphenylalanemia, BH4-deficient, A. Identifiers: Orphanet 13, Orphanet 238583, MedGen C0878676, MONDO:0009863, OMIM 261640.
PTS-related disorder. Also called: PTS-related condition.

Allele frequency attached by ClinVar (database versions not stated): gnomAD 0.00001; TOPMed 0.00003; gnomAD exomes 0.00005 and 0.00007; ExAC 0.00007; ESP Exome Variant Server 0.00008.
gnomAD v4.1: 80 of 1,610,406 alleles (0.005%); highest among the groups gnomAD compares: South Asian, 0.0077%; no homozygotes.

Submissions 1 to 10 of 13:

3billion
Classification: Pathogenic for 6-Pyruvoyl-tetrahydrobiopterin synthase deficiency. Last evaluated: 2025-12-18. Review status: criteria provided, single submitter. Criteria: ACMG Guidelines, 2015. Collection method: clinical testing. Allele origin: germline. Affected: yes.
Comment: The variant is observed at an extremely low frequency in the gnomAD v4.1.0 dataset (total allele frequency: 0.005%). Predicted Consequence/Location: Missense variant In silico tool predictions suggest damaging effect of the variant on gene or gene product [REVEL: 0.94 (>=0.6, sensitivity 0.68 and specificity 0.92); 3Cnet: 0.97 (> 0.75, sensitivity 0.96 and precision 0.92)]. The same nucleotide change resulting in the same amino acid change has been previously reported as pathogenic/likely pathogenic with strong evidence (ClinVar ID: VCV000463151 /PMID: 9222757 /3billion dataset). The variant has been reported to be in trans with a pathogenic variant as either compound heterozygous or homozygous in at least 4 similarly affected unrelated individuals (PMID: 11388593, 11438997, 11694255, 9222757). Different missense changes at the same codon (p.Thr67Lys, p.Thr67Ser) have been reported to be associated with PTS-related disorder (ClinVar ID: VCV001458067 /PMID: 16850690, 36646061). Therefore, this variant is classified as Pathogenic according to the recommendation of ACMG/AMP guideline.

Natera, Inc.
Classification: Pathogenic for 6-Pyruvoyl-tetrahydrobiopterin synthase deficiency. Last evaluated: 2025-09-08. Review status: criteria provided, single submitter. Criteria: Natera Variant Classification Schema (03/2026). Collection method: clinical testing. Allele origin: germline.
Comment: The c.200C>T variant in PTS is a missense variant predicted to cause substitution of threonine to methionine at amino acid 67. This variant is rare in the general population with a frequency below the threshold expected for the associated phenotype(s). This variant has been observed in one or more individuals affected with the associated recessive disease, as either homozygous or compound heterozygous with a second variant (PMID: 9222757, 33234470, 23942198, 28924877, 20059486). Additionally, this variant has been observed to segregate in affected family members (PMID: 30109838). Functional studies show that this variant may disrupt protein function (PMID: 9222757). A different variant at the same position has been determined to be Pathogenic or Likely Pathogenic. Computational prediction algorithms indicate this variant is likely to affect gene or protein function. Given the available evidence, this variant is classified as Pathogenic.

Labcorp Genetics (formerly Invitae), Labcorp
Classification: Pathogenic for 6-Pyruvoyl-tetrahydrobiopterin synthase deficiency. Last evaluated: 2025-04-02. Review status: criteria provided, single submitter. Criteria: Invitae Variant Classification Sherloc (09022015). Collection method: clinical testing. Allele origin: germline.
Comment: This sequence change replaces threonine, which is neutral and polar, with methionine, which is neutral and non-polar, at codon 67 of the PTS protein (p.Thr67Met). This variant is present in population databases (rs370340361, gnomAD 0.02%). This missense change has been observed in individual(s) with hyperphenylalaninemia (PMID: 9222757, 11388593, 11438997, 11694255, 16850690, 22237589, 25758715). ClinVar contains an entry for this variant (Variation ID: 463151). An algorithm developed to predict the effect of missense changes on protein structure and function (PolyPhen-2) suggests that this variant is likely to be disruptive. Experimental studies have shown that this missense change affects PTS function (PMID: 9222757, 11388593). For these reasons, this variant has been classified as Pathogenic.

Victorian Clinical Genetics Services, Murdoch Childrens Research Institute
Classification: Pathogenic for 6-Pyruvoyl-tetrahydrobiopterin synthase deficiency. Last evaluated: 2024-10-11. Review status: criteria provided, single submitter. Criteria: ACMG Guidelines, 2015. Collection method: clinical testing. Allele origin: germline. Inheritance: Autosomal recessive inheritance.
Comment: Based on the classification scheme VCGS_Germline_v1.3.5, this variant is classified as Pathogenic. Following criteria are met: 0102 - Loss of function is a known mechanism of disease in this gene and is associated with hyperphenylalaninemia, BH4-deficient, A, (MIM#261640). (I) 0106 - This gene is associated with autosomal recessive disease. (I) 0200 - Variant is predicted to result in a missense amino acid change from threonine to methionine. (I) 0251 - This variant is heterozygous. (I) 0304 - Variant is present in gnomAD (v4) <0.01 for a recessive condition (80 heterozygotes, 0 homozygotes). (SP) 0501 - Missense variant consistently predicted to be damaging by multiple in silico tools or highly conserved with a major amino acid change. (SP) 0600 - Variant is located in the annotated 6-pyruvoyl tetrahydropterin synthase (DECIPHER). (I) 0801 - This variant has strong previous evidence of pathogenicity in unrelated individuals. This variant has been classified as pathogenic by multiple clinical laboratories and has been reported in homozygous and compound heterozygous individuals with BH4 deficiency or hyperphenylalaninemia (PMIDs: 32651154, 32905092). (SP) Legend: (SP) - Supporting pathogenic, (I) - Information, (SB) - Supporting benign

Blueprint Genetics
Classification: Pathogenic for PTS-related disorders. Last evaluated: 2024-07-22. Review status: criteria provided, single submitter. Criteria: ACMG Guidelines, 2015. Collection method: clinical testing. Allele origin: germline. Affected: yes. Observed: 5 variant alleles.

Foundation for Research in Genetics and Endocrinology, FRIGE's Institute of Human Genetics
Classification: Pathogenic for 6-Pyruvoyl-tetrahydrobiopterin synthase deficiency. Last evaluated: 2024-03-30. Review status: criteria provided, single submitter. Criteria: ACMG Guidelines, 2015. Collection method: clinical testing. Allele origin: inherited. Inheritance: Autosomal recessive inheritance. Affected: yes. Observed: 1 compound heterozygote.
Comment: A heterozygous missense variation in exon 4 of the PTS gene that results in the amino acid substitution of Methionine for Threonine at codon 67 was detected. The observed variant c.200C>T (p.Thr67Met) has not been found in 1000 genomes database and has a minor allele frequency of 0.05% and 0.0026% in the gnomAD and Topmed databases. The in silico prediction of the variant is pathogenic by FATHMM, SIFT, Revel and MutationTaster. The reference codon is conserved across species. In summary, the variant meets our criteria to be classified as a pathogenic.

Genomic Medicine Center of Excellence, King Faisal Specialist Hospital and Research Centre
Classification: Pathogenic for 6-Pyruvoyl-tetrahydrobiopterin synthase deficiency. Last evaluated: 2024-03-17. Review status: criteria provided, single submitter. Criteria: ACMG Guidelines, 2015. Collection method: research. Allele origin: germline.

GeneDx
Classification: Pathogenic. Last evaluated: 2022-08-30. Review status: criteria provided, single submitter. Criteria: GeneDx Variant Classification Process June 2021. Collection method: clinical testing. Allele origin: germline. Affected: yes.
Comment: Western blot analysis of fibroblasts from a patient who was compound heterozygous for T67M and a second missense variant demonstrate no PTPS protein (Oppliger et al., 1997); In silico analysis supports that this missense variant has a deleterious effect on protein structure/function; This variant is associated with the following publications: (PMID: 25758715, 16917893, 22237589, 16850690, 9222757, 25087612, 11388593, 25525159, 19830588, 10585341, 20059486, 9222755, 11694255, 11438997, 25456745, 30275481, 31589614, 32905092, 30109838, 32651154, 33234470, 36004034, 33101986, 32778825, 33977029, 30926181, 34214291, 35098520, 32202960)

Women's Health and Genetics/Laboratory Corporation of America, LabCorp
Classification: Pathogenic for 6-Pyruvoyl-tetrahydrobiopterin synthase deficiency. Last evaluated: 2022-01-19. Review status: criteria provided, single submitter. Criteria: LabCorp Variant Classification Summary - May 2015. Collection method: clinical testing. Allele origin: germline.
Comment: Variant summary: PTS c.200C>T (p.Thr67Met) results in a non-conservative amino acid change in the encoded protein sequence. Five of five in-silico tools predict a damaging effect of the variant on protein function. The variant allele was found at a frequency of 6.8e-05 in 251424 control chromosomes. This frequency is not significantly higher than expected for a pathogenic variant in PTS causing 6-Pyruvoyl-Tetrahydropterin Synthase Deficiency (6.8e-05 vs 0.0011), allowing no conclusion about variant significance. c.200C>T has been reported in the literature in multiple individuals affected with 6-Pyruvoyl-Tetrahydropterin Synthase Deficiency (ie. Oppliger_1997, Cordeiro_2018, Almannai_2019, etc). PTPS activity in homozygous patients fibroblasts was <10% that of wild-type (Oppliger_1997). Three clinical diagnostic laboratories have submitted clinical-significance assessments for this variant to ClinVar after 2014 without evidence for independent evaluation. All laboratories classified the variant as pathogenic. Based on the evidence outlined above, the variant was classified as pathogenic.

Revvity Omics, Revvity
Classification: Pathogenic for 6-Pyruvoyl-tetrahydrobiopterin synthase deficiency. Last evaluated: 2021-12-23. Review status: criteria provided, single submitter. Criteria: ACMG Guidelines, 2015. Collection method: clinical testing. Allele origin: germline.